The following is an entry in ClinVar:

NM_004606.5(TAF1):c.892G>A (p.Ala298Thr)

Gene: TAF1 (TATA-box binding protein associated factor 1; plus strand). Cytogenetic location: Xq13.1.
Variant type: single nucleotide variant.
Coding change: c.892G>A on transcript NM_004606.5 (MANE Select); coding-DNA position 892, G replaced by A.
Protein change: p.Ala298Thr; replaces alanine 298 with threonine.
Molecular consequence: missense variant. On other transcripts: non-coding transcript variant (9).
Genome position (GRCh38, 1-based): chrX:71,377,780, G>A. VCF-style: chrX-71377780-G-A. GRCh37 (hg19) VCF-style: chrX-70597630-G-A.
Other names: c.892G>A, p.Ala298Thr (NM_001286074.2); c.829G>A, p.Ala277Thr (NM_138923.4); short protein forms A318T, A298T, A277T.
Identifiers: ClinVar variation 694241 (VCV000694241.8), dbSNP rs1602463196, ClinGen allele CA413507940.
Genomic context (GRCh38, chrX:71,377,780, plus strand): 5'-GAGGTGGAGTGCTCAGTAGAATCAGAAGTCAGCCAGAAGTCTTTGTGGAACTACGACTAC[G>A]CTCCACCACCACCTCCAGAGCAGTGTCTCTCTGATGATGAAGTAGGCAAAATAGAGACCT-3'
Protein context (NP_004597.3, residues 288-308): SQKSLWNYDY[Ala298Thr]PPPPPEQCLS

ClinVar aggregate classification (germline): Uncertain significance. Review status: criteria provided, multiple submitters, no conflicts (2 of 4 stars). 3 submissions from 3 submitters: Uncertain significance (2). 1 of the submissions does not count toward it. Last evaluated 2022-02-15.

Conditions:
Intellectual developmental disorder, X-linked, syndromic 33. Also called: X-linked intellectual disability-global development delay-facial dysmorphism-sacral caudal remnant syndrome; Intellectual disability, X-linked, syndromic 33. Identifiers: Orphanet 480907, MedGen C4225418, MONDO:0010500, OMIM 300966.

Allele frequency attached by ClinVar (database versions not stated): TOPMed 0.00001; gnomAD exomes 0.00001.
gnomAD v4.1: 6 of 1,210,962 alleles (0.0005%); highest among the groups gnomAD compares: South Asian, 0.0018%; no homozygotes.

Submissions (3):

Illumina Laboratory Services, Illumina
Classification: Uncertain significance for Intellectual developmental disorder, X-linked, syndromic 33. Last evaluated: 2022-02-15. Review status: criteria provided, single submitter. Criteria: ICSLVariantClassificationCriteria RUGD 01 April 2020. Collection method: clinical testing. Allele origin: unknown.
Comment: The TAF1 c.952G>A (p.Ala318Thr) missense variant results in the substitution of alanine at amino acid position 318 with threonine. This individual inherited the c.952G>A variant from the unaffected mother, who showed random X-inactivation. Additionally, the individual carried a de novo variant in another gene that the authors indicated may be the causative variant. The c.952G>A variant is not found in version 2.1.1 or version 3.1.2 of the Genome Aggregation Database. Based on the available evidence, the c.952G>A (p.Ala318Thr) variant is classified as a variant of uncertain significance for TAF1-related X-linked syndromic intellectual disability.

Victorian Clinical Genetics Services, Murdoch Childrens Research Institute
Classification: Uncertain significance for Intellectual developmental disorder, X-linked, syndromic 33. Last evaluated: 2020-05-25. Review status: criteria provided, single submitter. Criteria: ACMG Guidelines, 2015. Collection method: clinical testing. Allele origin: germline. Inheritance: X-linked recessive inheritance. Affected: yes.
Comment: Based on the classification scheme VCGS_Germline_v1.1.1, this variant is classified as VUS – 3C. Following criteria are met: 0102 - Loss-of-function is a known mechanism of disease for this gene. (N) 0109 - This gene is known to be associated with X-linked recessive disease. (N) 0200 - Variant is predicted to result in a missense amino acid change from alanine to threonine (exon 8). (N) 0253 - Variant is hemizygous. (N) 0301 - Variant is absent from gnomAD. (P) 0309 - An alternative amino acid change at the same position has been observed in gnomAD (613 heterozygotes, 11 homozygotes, 212 hemizygotes). (N) 0502 - Missense variant with conflicting in silico predictions and/or uninformative conservation. (N) 0600 - Variant is located in an annotated domain or motif, the protein kinase 1 domain (PDB). (N) 0710 – A comparable missense variant has been reported as benign (LOVD). (B) 0804 - Variant is absent in the population and has previously been described as variant of uncertain significance in a patient (maternally inherited) with intellectual disability syndrome. Variant pathogenicity was doubted due to the presence of an additional de novo variant in RAC1 (PMID:31646703). (N) 0905 - No segregation evidence has been identified for this variant. (N) 1007 - No published functional evidence has been identified for this variant. (N) 1208 - Inheritance information for this variant is not currently available. (N) Legend: (P) - Pathogenic, (N) - Neutral, (B) - Benign

Genome Medicine, Institute for Basic Research in Developmental Disabilities
Classification: Uncertain significance for Intellectual developmental disorder, X-linked, syndromic 33. Last evaluated: 2019-09-23. Review status: no assertion criteria provided. Collection method: clinical testing. Allele origin: maternal. Affected: yes. Not counted in ClinVar's aggregate classification.

Literature cited by the submitters: PubMed 31646703 (cited by Illumina Laboratory Services, Illumina and Victorian Clinical Genetics Services, Murdoch Childrens Research Institute).